The following is an entry in ClinVar:

NM_004415.4(DSP):c.7731C>T (p.Val2577=)

Gene: DSP (desmoplakin; plus strand). Cytogenetic location: 6p24.3.
Variant type: single nucleotide variant.
Coding change: c.7731C>T on transcript NM_004415.4 (MANE Select); coding-DNA position 7731, C replaced by T.
Protein change: p.Val2577=; no amino-acid change (valine 2577 retained).
Molecular consequence: synonymous variant.
Genome position (GRCh38, 1-based): chr6:7,584,993, C>T. VCF-style: chr6-7584993-C-T. GRCh37 (hg19) VCF-style: chr6-7585226-C-T.
Other names: c.5934C>T, p.Val1978= (NM_001008844.3); c.6402C>T, p.Val2134= (NM_001319034.2); c.7731C>T (NM_004415.2).
Identifiers: ClinVar variation 1131899 (VCV001131899.12), dbSNP rs1320894353, ClinGen allele CA448716366.

ClinVar aggregate classification (germline): Likely benign. Review status: criteria provided, multiple submitters, no conflicts (2 of 4 stars). 4 submissions from 4 submitters: Likely benign (4). Last evaluated 2025-03-31.

Conditions:
Arrhythmogenic cardiomyopathy with wooly hair and keratoderma. Also called: Arrhythmogenic cardiomyopathy with woolly hair and keratoderma; PALMOPLANTAR KERATODERMA WITH LEFT VENTRICULAR CARDIOMYOPATHY AND WOOLLY HAIR; Dilated cardiomyopathy with woolly hair and keratoderma; Carvajal syndrome. Identifiers: Orphanet 65282, MedGen C1854063, MONDO:0011581, OMIM 605676.
Arrhythmogenic right ventricular dysplasia 8 (ARVD8). Also called: Arrhythmogenic Right Ventricular Dysplasia/Cardiomyopathy 8; ARRHYTHMOGENIC RIGHT VENTRICULAR CARDIOMYOPATHY 8; ARRHYTHMOGENIC RIGHT VENTRICULAR DYSPLASIA, FAMILIAL, 8. Identifiers: MedGen C1843896, MONDO:0011831, OMIM 607450.
Cardiovascular phenotype. Identifiers: MedGen CN230736.
Cardiomyopathy (CMYO). Also called: Cardiomyopathies. Identifiers: Orphanet 167848, MedGen C0878544, MONDO:0004994, HP:0001638. Inheritance: Various modes of inheritance.

Allele frequency attached by ClinVar (database versions not stated): gnomAD exomes below 0.00001; gnomAD 0.00001.
gnomAD v4.1: 8 of 1,614,178 alleles (0.0005%); highest among the groups gnomAD compares: Non-Finnish European, 0.000085%; no homozygotes.

Submissions (4):

Ambry Genetics
Classification: Likely benign for Cardiovascular phenotype. Last evaluated: 2025-03-31. Review status: criteria provided, single submitter. Criteria: Ambry Variant Classification Scheme 2023. Collection method: clinical testing. Allele origin: germline.

All of Us Research Program, National Institutes of Health
Classification: Likely benign for Arrhythmogenic cardiomyopathy with wooly hair and keratoderma. Last evaluated: 2023-09-04. Review status: criteria provided, single submitter. Criteria: ACMG Guidelines, 2015. Collection method: clinical testing. Allele origin: germline. Inheritance: Autosomal dominant inheritance. Observed: 2 variant alleles, 2 heterozygotes.
Comment: This study involves interpretation of variants in research participants for the purpose of population health screening. Participant phenotype was not available at the time of variant classification. Additional details can be found in publication PMID: 35346344, PMCID: PMC8962531

Labcorp Genetics (formerly Invitae), Labcorp
Classification: Likely benign for Arrhythmogenic cardiomyopathy with wooly hair and keratoderma; Arrhythmogenic right ventricular dysplasia 8. Last evaluated: 2023-01-20. Review status: criteria provided, single submitter. Criteria: Invitae Variant Classification Sherloc (09022015). Collection method: clinical testing. Allele origin: germline.

Color Diagnostics, LLC DBA Color Health
Classification: Likely benign for Cardiomyopathy. Last evaluated: 2022-11-06. Review status: criteria provided, single submitter. Criteria: ACMG Guidelines, 2015. Collection method: clinical testing. Allele origin: germline.